The following is an entry in ClinVar:

ClinVar aggregate classification (germline): Conflicting classifications of pathogenicity. Review status: criteria provided, conflicting classifications (1 of 4 stars). 4 submissions from 4 submitters: Uncertain significance (1); Likely benign (2). 1 of the submissions does not count toward it. Last evaluated 2025-08-01.

Conditions:
Congenital ocular coloboma. Also called: COLOBOMA OF IRIS, CHOROID, AND RETINA; COLOBOMA, UVEORETINAL; Coloboma of eye; Coloboma. Identifiers: Orphanet 194, MedGen C0009363, MONDO:0001476, HP:0000589.
STAG1-related disorder. Also called: STAG1-related disorders.

Submissions (4):

CeGaT Center for Human Genetics Tuebingen
Classification: Likely benign. Last evaluated: 2025-08-01. Review status: criteria provided, single submitter. Criteria: CeGaT Center For Human Genetics Tuebingen Variant Classification Criteria Version 2. Collection method: clinical testing. Allele origin: germline. Affected: yes. Observed: 1 variant allele.
Comment: STAG1: BP4, BS2

Labcorp Genetics (formerly Invitae), Labcorp
Classification: Likely benign. Last evaluated: 2025-06-22. Review status: criteria provided, single submitter. Criteria: Invitae Variant Classification Sherloc (09022015). Collection method: clinical testing. Allele origin: germline.

Cambridge Genomics Laboratory, East Genomic Laboratory Hub, NHS Genomic Medicine Service
Classification: Uncertain significance for Congenital ocular coloboma. Last evaluated: 2020-05-14. Review status: criteria provided, single submitter. Criteria: ACGS Best Practice Guidelines for Variant Classification in Rare Disease 2020. Collection method: clinical testing. Allele origin: germline. Affected: yes. Observed: 1 variant allele.

PreventionGenetics, part of Exact Sciences
Classification: Likely benign for STAG1-related condition. Last evaluated: 2024-09-23. Review status: no assertion criteria provided. Collection method: clinical testing. Allele origin: germline. Not counted in ClinVar's aggregate classification.
Comment: This variant is classified as likely benign based on ACMG/AMP sequence variant interpretation guidelines (Richards et al. 2015 PMID: 25741868, with internal and published modifications).

NM_005862.3(STAG1):c.1744-5_1744-3del

Gene: STAG1 (STAG1 cohesin complex component; minus strand). Cytogenetic location: 3q22.3.
Variant type: Deletion.
Coding change: c.1744-5_1744-3del on transcript NM_005862.3 (MANE Select); 5 bases into the intron before coding-DNA position 1744 through 3 bases into the intron before coding-DNA position 1744, 3 bases deleted (TCT; older notation c.1744-5_1744-3delTCT).
Molecular consequence: intron variant.
Genome position (GRCh38, 1-based): chr3:136,422,860-136,422,862, AGA deleted on the plus strand (TCT on the coding strand, the reverse complement: STAG1 is on the minus strand); deleting any 3 consecutive bases within chr3:136,422,860-136,422,864 gives the same sequence; the c. name uses the placement nearest the transcript's 3' end. VCF-style (leftmost placement, unchanged base first): chr3-136422859-TAGA-T. GRCh37 (hg19) VCF-style: chr3-136141701-TAGA-T.
Other names: c.1744-5_1744-3delTCT (NM_005862.2).
Identifiers: ClinVar variation 2903254 (VCV002903254.13), dbSNP rs759561079, ClinGen allele CA2632796.